The following is an entry in ClinVar:

NM_002958.4(RYK):c.10dup (p.Ala4fs)

Gene: RYK (receptor like tyrosine kinase; minus strand). Cytogenetic location: 3q22.2.
Variant type: Duplication.
Coding change: c.10dup on transcript NM_002958.4 (MANE Select); coding-DNA position 10, one base duplicated (G; older notation c.10dupG).
Protein change: p.Ala4fs; shifts the reading frame from alanine 4.
Molecular consequence: frameshift variant.
Genome position (GRCh38, 1-based): chr3:134,250,645, C duplicated on the plus strand (G on the coding strand, the reverse complement: RYK is on the minus strand); the first of 4 consecutive C bases (chr3:134,250,645-134,250,648); duplicating any one gives the same sequence. VCF-style (leftmost placement, unchanged base first): chr3-134250644-G-GC. GRCh37 (hg19) VCF-style: chr3-133969487-G-GCC.
Other names: c.10dup, p.Ala4fs (NM_001005861.3); c.10dupG (NM_001005861.2); c.9dupG (NM_001005861.2); short protein forms A4fs.
Identifiers: ClinVar variation 218478 (VCV000218478.2), dbSNP rs587744425, ClinGen allele CA249125.
Genomic context (GRCh38, chr3:134,250,644, plus strand): 5'-GGGGCCCTCAGGCCGCGGGCCCCCGGGAGGCAACTCCGGCCCGGCCGCCCCAGCCGCGCC[G>GC]CCCCACGCATGGCCGCCGCCGCCGCCGCCGAAGAGGAGCGTCGGCCGCCCGCCGCACCGC-3'

ClinVar aggregate classification (germline): Benign. Review status: criteria provided, multiple submitters, no conflicts (2 of 4 stars). 2 submissions from 2 submitters: Benign (2). Last evaluated 2019-11-04.

Conditions:
RYK-related disorder. Also called: RYK-related condition.

Submissions (2):

PreventionGenetics, part of Exact Sciences
Classification: Benign for RYK-related condition. Last evaluated: 2019-11-04. Review status: criteria provided, single submitter. Criteria: ACMG Guidelines, 2015. Collection method: clinical testing. Allele origin: germline.
Comment: This variant is classified as benign based on ACMG/AMP sequence variant interpretation guidelines (Richards et al. 2015 PMID: 25741868, with internal and published modifications).

Genomic Diagnostic Laboratory, Division of Genomic Diagnostics, Children's Hospital of Philadelphia
Classification: Benign. Last evaluated: 2015-07-15. Review status: criteria provided, single submitter. Criteria: DGD Variant Analysis Guidelines. Collection method: clinical testing. Allele origin: unknown.